The following is an entry in ClinVar:

NM_177438.3(DICER1):c.1876A>G (p.Thr626Ala)

Gene: DICER1 (dicer 1, ribonuclease III; minus strand). Cytogenetic location: 14q32.13.
Variant type: single nucleotide variant.
Coding change: c.1876A>G on transcript NM_177438.3 (MANE Select); coding-DNA position 1876, A replaced by G.
Protein change: p.Thr626Ala; replaces threonine 626 with alanine.
Molecular consequence: missense variant. On other transcripts: non-coding transcript variant (6).
Genome position (GRCh38, 1-based): chr14:95,115,698, T>C on the plus strand (A>G on the coding strand, the complement: DICER1 is on the minus strand). VCF-style: chr14-95115698-T-C. GRCh37 (hg19) VCF-style: chr14-95582035-T-C.
Other names: c.1876A>G, p.Thr626Ala (NM_001195573.1, NM_001271282.3, NM_001291628.2 and 13 more transcripts); c.1594A>G, p.Thr532Ala (NM_001395686.1); c.1471A>G, p.Thr491Ala (NM_001395687.1, NM_001395688.1, NM_001395689.1 and 3 more transcripts); c.1309A>G, p.Thr437Ala (NM_001395691.1); c.193A>G, p.Thr65Ala (NM_001395697.1); short protein forms T532A, T437A, T491A, T626A, T65A.
Identifiers: ClinVar variation 1781781 (VCV001781781.5), dbSNP rs2543002446, ClinGen allele CA390883943.
Genomic context (GRCh38, chr14:95,115,698, plus strand): 5'-TTTTCCACACAAATGATATGATGCCATACCTATTGATGTGTCCAATGGCCGTGTTGATTG[T>C]GACTCGTGGACCACCATCGTCAGGCCTCAACACATATGGTGGGAAAACGTCATCATCATC-3'
Protein context (NP_803187.1, residues 616-636): LRPDDGGPRV[Thr626Ala]INTAIGHINR

ClinVar aggregate classification (germline): Uncertain significance. Review status: criteria provided, multiple submitters, no conflicts (2 of 4 stars). 2 submissions from 2 submitters: Uncertain significance (2). Last evaluated 2023-05-08.

Conditions:
Hereditary cancer-predisposing syndrome. Also called: Tumor predisposition; Neoplastic Syndromes, Hereditary; Hereditary Cancer Syndrome; Hereditary neoplastic syndrome. Identifiers: Orphanet 140162, MedGen C0027672, MeSH D009386, MONDO:0015356.
DICER1-related tumor predisposition. Also called: DICER1-related pleuropulmonary blastoma cancer predisposition syndrome; DICER1 syndrome. Identifiers: Orphanet 284343, MedGen C3839822, MONDO:0100216.

Submissions (2):

Labcorp Genetics (formerly Invitae), Labcorp
Classification: Uncertain significance for DICER1-related tumor predisposition. Last evaluated: 2023-05-08. Review status: criteria provided, single submitter. Criteria: Invitae Variant Classification Sherloc (09022015). Collection method: clinical testing. Allele origin: germline.
Comment: This sequence change replaces threonine, which is neutral and polar, with alanine, which is neutral and non-polar, at codon 626 of the DICER1 protein (p.Thr626Ala). This variant is not present in population databases (gnomAD no frequency). This variant has not been reported in the literature in individuals affected with DICER1-related conditions. ClinVar contains an entry for this variant (Variation ID: 1781781). Advanced modeling of protein sequence and biophysical properties (such as structural, functional, and spatial information, amino acid conservation, physicochemical variation, residue mobility, and thermodynamic stability) performed at Invitae indicates that this missense variant is expected to disrupt DICER1 protein function. In summary, the available evidence is currently insufficient to determine the role of this variant in disease. Therefore, it has been classified as a Variant of Uncertain Significance.

Ambry Genetics
Classification: Uncertain significance for Hereditary cancer-predisposing syndrome. Last evaluated: 2021-10-19. Review status: criteria provided, single submitter. Criteria: Ambry Variant Classification Scheme 2023. Collection method: clinical testing. Allele origin: germline.
Comment: The p.T626A variant (also known as c.1876A>G), located in coding exon 10 of the DICER1 gene, results from an A to G substitution at nucleotide position 1876. The threonine at codon 626 is replaced by alanine, an amino acid with similar properties. This amino acid position is highly conserved in available vertebrate species. In addition, the in silico prediction for this alteration is inconclusive. Since supporting evidence is limited at this time, the clinical significance of this alteration remains unclear.